The following is an entry in ClinVar:

NM_001358530.2(MOCS1):c.829G>A (p.Glu277Lys)

Gene: MOCS1 (molybdenum cofactor synthesis 1; minus strand). Cytogenetic location: 6p21.2.
Variant type: single nucleotide variant.
Coding change: c.829G>A on transcript NM_001358530.2 (MANE Select); coding-DNA position 829, G replaced by A.
Protein change: p.Glu277Lys; replaces glutamic acid 277 with lysine.
Molecular consequence: missense variant. On other transcripts: non-coding transcript variant (1).
Genome position (GRCh38, 1-based): chr6:39,912,933, C>T on the plus strand (G>A on the coding strand, the complement: MOCS1 is on the minus strand). VCF-style: chr6-39912933-C-T. GRCh37 (hg19) VCF-style: chr6-39880677-C-T.
Other names: c.829G>A, p.Glu277Lys (NM_001075098.4, NM_001358529.2, NM_005943.6); c.568G>A, p.Glu190Lys (NM_001358531.2, NM_001358533.2, NM_001358534.2); short protein forms E190K, E277K.
Identifiers: ClinVar variation 998685 (VCV000998685.8), dbSNP rs1767422241, ClinGen allele CA364043658.

ClinVar aggregate classification (germline): Uncertain significance (1 of 4 stars; one submission).

Conditions:
Sulfite oxidase deficiency due to molybdenum cofactor deficiency type A. Also called: Molybdenum cofactor deficiency, complementation group A; Molybdenum Cofactor Deficiency A. Identifiers: Orphanet 308386, Orphanet 833, MedGen C1854988, MONDO:0009643, OMIM 252150.

Submission:

Labcorp Genetics (formerly Invitae), Labcorp
Classification: Uncertain significance for Sulfite oxidase deficiency due to molybdenum cofactor deficiency type A. Last evaluated: 2022-02-10. Review status: criteria provided, single submitter. Criteria: Invitae Variant Classification Sherloc (09022015). Collection method: clinical testing. Allele origin: germline.
Comment: This sequence change replaces glutamic acid, which is acidic and polar, with lysine, which is basic and polar, at codon 277 of the MOCS1 protein (p.Glu277Lys). This variant is not present in population databases (gnomAD no frequency). This variant has not been reported in the literature in individuals affected with MOCS1-related conditions. ClinVar contains an entry for this variant (Variation ID: 998685). Algorithms developed to predict the effect of missense changes on protein structure and function (SIFT, PolyPhen-2, Align-GVGD) all suggest that this variant is likely to be tolerated. In summary, the available evidence is currently insufficient to determine the role of this variant in disease. Therefore, it has been classified as a Variant of Uncertain Significance.